The following is an entry in ClinVar:

NM_139076.3(ABRAXAS1):c.1147T>A (p.Ser383Thr)

Gene: ABRAXAS1 (abraxas 1, BRCA1 A complex subunit; minus strand). Cytogenetic location: 4q21.23.
Variant type: single nucleotide variant.
Coding change: c.1147T>A on transcript NM_139076.3 (MANE Select); coding-DNA position 1147, T replaced by A.
Protein change: p.Ser383Thr; replaces serine 383 with threonine.
Molecular consequence: missense variant.
Genome position (GRCh38, 1-based): chr4:83,462,552, A>T on the plus strand (T>A on the coding strand, the complement: ABRAXAS1 is on the minus strand). VCF-style: chr4-83462552-A-T. GRCh37 (hg19) VCF-style: chr4-84383705-A-T.
Other names: c.1147T>A (NM_139076.2); c.820T>A, p.Ser274Thr (NM_001345962.2); short protein forms S383T, S274T.
Identifiers: ClinVar variation 1486852 (VCV001486852.10), dbSNP rs2110032821, ClinGen allele CA357255030.

ClinVar aggregate classification (germline): Uncertain significance. Review status: criteria provided, multiple submitters, no conflicts (2 of 4 stars). 2 submissions from 2 submitters: Uncertain significance (2). Last evaluated 2025-04-19.

gnomAD v4.1: 1 of 1,614,090 alleles (0.000062%); highest among the groups gnomAD compares: Non-Finnish European, 0.000085%; no homozygotes.

Submissions (2):

Ambry Genetics
Classification: Uncertain significance. Last evaluated: 2025-04-19. Review status: criteria provided, single submitter. Criteria: Ambry Variant Classification Scheme 2023. Collection method: clinical testing. Allele origin: germline.
Comment: The p.S383T variant (also known as c.1147T>A), located in coding exon 9 of the FAM175A gene, results from a T to A substitution at nucleotide position 1147. The serine at codon 383 is replaced by threonine, an amino acid with similar properties. This amino acid position is conserved. In addition, this alteration is predicted to be tolerated by in silico analysis. Since supporting evidence is limited at this time, the clinical significance of this alteration remains unclear.

Labcorp Genetics (formerly Invitae), Labcorp
Classification: Uncertain significance. Last evaluated: 2021-05-28. Review status: criteria provided, single submitter. Criteria: Invitae Variant Classification Sherloc (09022015). Collection method: clinical testing. Allele origin: germline.
Comment: In summary, the available evidence is currently insufficient to determine the role of this variant in disease. Therefore, it has been classified as a Variant of Uncertain Significance. Algorithms developed to predict the effect of missense changes on protein structure and function (SIFT, PolyPhen-2, Align-GVGD) all suggest that this variant is likely to be tolerated, but these predictions have not been confirmed by published functional studies and their clinical significance is uncertain. This variant has not been reported in the literature in individuals with ABRAXAS1-related conditions. This variant is not present in population databases (ExAC no frequency). This sequence change replaces serine with threonine at codon 383 of the ABRAXAS1 protein (p.Ser383Thr). The serine residue is moderately conserved and there is a small physicochemical difference between serine and threonine.